The following is an entry in ClinVar:

ClinVar aggregate classification (germline): Uncertain significance. Review status: criteria provided, single submitter (1 of 4 stars). 2 submissions from 2 submitters: Uncertain significance (1). 1 of the submissions does not count toward it. Last evaluated 2025-04-19.

Conditions:
Inborn genetic diseases. Identifiers: MedGen C0950123, MeSH D030342.
SAMD9-related disorder. Also called: SAMD9-related condition.

Submissions (2):

Ambry Genetics
Classification: Uncertain significance for Inborn genetic diseases. Last evaluated: 2025-04-19. Review status: criteria provided, single submitter. Criteria: Ambry Variant Classification Scheme 2023. Collection method: clinical testing. Allele origin: germline.
Comment: The p.I1119T variant (also known as c.3356T>C), located in coding exon 1 of the SAMD9 gene, results from a T to C substitution at nucleotide position 3356. The isoleucine at codon 1119 is replaced by threonine, an amino acid with similar properties. This amino acid position is conserved. In addition, the in silico prediction for this alteration is inconclusive. Based on the available evidence, the clinical significance of this variant remains unclear.

PreventionGenetics, part of Exact Sciences
Classification: Uncertain significance for SAMD9-related condition. Last evaluated: 2024-09-23. Review status: no assertion criteria provided. Collection method: clinical testing. Allele origin: germline. Not counted in ClinVar's aggregate classification.
Comment: The SAMD9 c.3356T>C variant is predicted to result in the amino acid substitution p.Ile1119Thr. To our knowledge, this variant has not been reported in the literature or in a large population database, indicating this variant is rare. At this time, the clinical significance of this variant is uncertain due to the absence of conclusive functional and genetic evidence.

NM_017654.4(SAMD9):c.3356T>C (p.Ile1119Thr)

Gene: SAMD9 (sterile alpha motif domain containing 9; minus strand). Cytogenetic location: 7q21.2.
Variant type: single nucleotide variant.
Coding change: c.3356T>C on transcript NM_017654.4 (MANE Select); coding-DNA position 3356, T replaced by C.
Protein change: p.Ile1119Thr; replaces isoleucine 1119 with threonine.
Molecular consequence: missense variant.
Genome position (GRCh38, 1-based): chr7:93,102,742, A>G on the plus strand (T>C on the coding strand, the complement: SAMD9 is on the minus strand). VCF-style: chr7-93102742-A-G. GRCh37 (hg19) VCF-style: chr7-92732055-A-G.
Other names: c.3356T>C, p.Ile1119Thr (NM_001193307.2); short protein forms I1119T.
Identifiers: ClinVar variation 2260490 (VCV002260490.4), dbSNP rs1791556370, ClinGen allele CA368185723.